The following is an entry in ClinVar:

NM_024989.4(PGAP1):c.2332C>A (p.Pro778Thr)

Gene: PGAP1 (post-GPI attachment to proteins inositol deacylase 1; minus strand). Cytogenetic location: 2q33.1.
Variant type: single nucleotide variant.
Coding change: c.2332C>A on transcript NM_024989.4 (MANE Select); coding-DNA position 2332, C replaced by A.
Protein change: p.Pro778Thr; replaces proline 778 with threonine.
Molecular consequence: missense variant.
Genome position (GRCh38, 1-based): chr2:196,844,529, G>T on the plus strand (C>A on the coding strand, the complement: PGAP1 is on the minus strand). VCF-style: chr2-196844529-G-T. GRCh37 (hg19) VCF-style: chr2-197709253-G-T.
Other names: c.1810C>A, p.Pro604Thr (NM_001321099.2); c.1165C>A, p.Pro389Thr (NM_001321100.2); short protein forms P778T, P389T, P604T.
Identifiers: ClinVar variation 1931265 (VCV001931265.5), dbSNP rs760904211, ClinGen allele CA2040662.

ClinVar aggregate classification (germline): Uncertain significance (1 of 4 stars; one submission).

Conditions:
Intellectual disability, autosomal recessive 42 (NEDDSBA). Also called: GLYCOSYLPHOSPHATIDYLINOSITOL BIOSYNTHESIS DEFECT 9; Neurodevelopmental disorder with dysmorphic features, spasticity, and brain abnormalities. Identifiers: Orphanet 88616, MedGen C4014343, MONDO:0014348, OMIM 615802.

gnomAD v4.1: 3 of 1,592,270 alleles (0.00019%); highest among the groups gnomAD compares: African/African-American, 0.0041%; no homozygotes.

Submission:

Labcorp Genetics (formerly Invitae), Labcorp
Classification: Uncertain significance for Intellectual disability, autosomal recessive 42. Last evaluated: 2021-12-08. Review status: criteria provided, single submitter. Criteria: Invitae Variant Classification Sherloc (09022015). Collection method: clinical testing. Allele origin: germline.
Comment: This variant has not been reported in the literature in individuals affected with PGAP1-related conditions. This sequence change replaces proline, which is neutral and non-polar, with threonine, which is neutral and polar, at codon 778 of the PGAP1 protein (p.Pro778Thr). This variant is present in population databases (rs760904211, gnomAD 0.009%). In summary, the available evidence is currently insufficient to determine the role of this variant in disease. Therefore, it has been classified as a Variant of Uncertain Significance. Algorithms developed to predict the effect of missense changes on protein structure and function output the following: SIFT: "Tolerated"; PolyPhen-2: "Benign"; Align-GVGD: "Class C0". The threonine amino acid residue is found in multiple mammalian species, which suggests that this missense change does not adversely affect protein function.